The following is an entry in ClinVar:

NM_005585.5(SMAD6):c.242G>A (p.Gly81Glu)

Gene: SMAD6 (SMAD family member 6; plus strand). Cytogenetic location: 15q22.31.
Variant type: single nucleotide variant.
Coding change: c.242G>A on transcript NM_005585.5 (MANE Select); coding-DNA position 242, G replaced by A.
Protein change: p.Gly81Glu; replaces glycine 81 with glutamic acid.
Molecular consequence: missense variant. On other transcripts: non-coding transcript variant (1).
Genome position (GRCh38, 1-based): chr15:66,703,500, G>A. VCF-style: chr15-66703500-G-A. GRCh37 (hg19) VCF-style: chr15-66995838-G-A.
Other names: short protein forms G81E.
Identifiers: ClinVar variation 3798834 (VCV003798834.3).
Genomic context (GRCh38, chr15:66,703,500, plus strand): 5'-GCCCGGTAGCCCCGCGGCGGCCCCGGGACGCAGTGGGACAGCGAGGCGCCCAGGGCGCGG[G>A]GAGGCGCCGGCGCGCAGGGGGCCCCCCGAGGCCCATGTCGGAGCCAGGGGCCGGCGCTGG-3'
Protein context (NP_005576.3, residues 71-91): AVGQRGAQGA[Gly81Glu]RRRRAGGPPR

ClinVar aggregate classification (germline): Uncertain significance. Review status: criteria provided, multiple submitters, no conflicts (2 of 4 stars). 2 submissions from 2 submitters: Uncertain significance (2). Last evaluated 2025-04-30.

Conditions:
Inborn genetic diseases. Identifiers: MedGen C0950123, MeSH D030342.

Submissions (2):

Dasa
Classification: Uncertain significance. Last evaluated: 2025-04-30. Review status: criteria provided, single submitter. Criteria: DASA Assertion Criteria. Collection method: clinical testing. Allele origin: germline.
Comment: NM_005585.5(SMAD6):c.242G>A (p.Gly81Glu) is a missense variant that results in the substitution of glycine with glutamic acid. This variant is absent from population databases. Computational prediction algorithms are consistent with a benign effect. The currently available literature and clinical evidence are not sufficient to establish a definitive association between this variant and the reported condition. Therefore, this variant is classified as a variant of uncertain significance.

Ambry Genetics
Classification: Uncertain significance for Inborn genetic diseases. Last evaluated: 2025-03-09. Review status: criteria provided, single submitter. Criteria: Ambry Variant Classification Scheme 2023. Collection method: clinical testing. Allele origin: germline.
Comment: The p.G81E variant (also known as c.242G>A), located in coding exon 1 of the SMAD6 gene, results from a G to A substitution at nucleotide position 242. The glycine at codon 81 is replaced by glutamic acid, an amino acid with similar properties. This amino acid position is conserved. In addition, this alteration is predicted to be tolerated by in silico analysis. Based on the available evidence, the clinical significance of this variant remains unclear.